The following is an entry in ClinVar:

ClinVar aggregate classification (germline): Likely benign (0 of 4 stars; one submission).

Conditions:
ZFHX4-related disorder. Also called: ZFHX4-related condition.

Allele frequency attached by ClinVar (database versions not stated): ExAC 0.00002; gnomAD 0.00002; TOPMed 0.00003.
gnomAD v4.1: 42 of 1,613,430 alleles (0.0026%); highest among the groups gnomAD compares: Middle Eastern, 0.066%; no homozygotes.

Submission:

PreventionGenetics, part of Exact Sciences
Classification: Likely benign for ZFHX4-related condition. Last evaluated: 2019-06-26. Review status: no assertion criteria provided. Collection method: clinical testing. Allele origin: germline.
Comment: This variant is classified as likely benign based on ACMG/AMP sequence variant interpretation guidelines (Richards et al. 2015 PMID: 25741868, with internal and published modifications).

NM_024721.5(ZFHX4):c.7581G>A (p.Pro2527=)

Gene: ZFHX4 (zinc finger homeobox 4; plus strand). Cytogenetic location: 8q21.13.
Variant type: single nucleotide variant.
Coding change: c.7581G>A on transcript NM_024721.5 (MANE Select); coding-DNA position 7581, G replaced by A.
Protein change: p.Pro2527=; no amino-acid change (proline 2527 retained).
Molecular consequence: synonymous variant.
Genome position (GRCh38, 1-based): chr8:76,854,502, G>A. VCF-style: chr8-76854502-G-A. GRCh37 (hg19) VCF-style: chr8-77766738-G-A.
Other names: c.7503G>A, p.Pro2501= (NM_001410934.1).
Identifiers: ClinVar variation 3042716 (VCV003042716.2), dbSNP rs373464374, ClinGen allele CA4788000.